The following is an entry in ClinVar:

ClinVar aggregate classification (germline): Uncertain significance (1 of 4 stars; one submission).

Conditions:
Inborn genetic diseases. Identifiers: MedGen C0950123, MeSH D030342.

Allele frequency attached by ClinVar (database versions not stated): gnomAD exomes below 0.00001.
gnomAD v4.1: 1 of 1,613,754 alleles (0.000062%); highest among the groups gnomAD compares: East Asian, 0.0022%; no homozygotes.

Submission:

Ambry Genetics
Classification: Uncertain significance for Inborn genetic diseases. Last evaluated: 2023-09-29. Review status: criteria provided, single submitter. Criteria: Ambry Variant Classification Scheme 2023. Collection method: clinical testing. Allele origin: germline.
Comment: The p.V1384M variant (also known as c.4150G>A), located in coding exon 22 of the ATR gene, results from a G to A substitution at nucleotide position 4150. The valine at codon 1384 is replaced by methionine, an amino acid with highly similar properties. This amino acid position is conserved. In addition, this alteration is predicted to be tolerated by in silico analysis. Since supporting evidence is limited at this time, the clinical significance of this alteration remains unclear.

NM_001184.4(ATR):c.4150G>A (p.Val1384Met)

Gene: ATR (ATR checkpoint kinase; minus strand). Cytogenetic location: 3q23.
Variant type: single nucleotide variant.
Coding change: c.4150G>A on transcript NM_001184.4 (MANE Select); coding-DNA position 4150, G replaced by A.
Protein change: p.Val1384Met; replaces valine 1384 with methionine.
Molecular consequence: missense variant.
Genome position (GRCh38, 1-based): chr3:142,523,995, C>T on the plus strand (G>A on the coding strand, the complement: ATR is on the minus strand). VCF-style: chr3-142523995-C-T. GRCh37 (hg19) VCF-style: chr3-142242837-C-T.
Other names: c.3958G>A, p.Val1320Met (NM_001354579.2); short protein forms V1320M, V1384M.
Identifiers: ClinVar variation 3221153 (VCV003221153.1), dbSNP rs2108399192, ClinGen allele CA354801892.
Genomic context (GRCh38, chr3:142,523,995, plus strand): 5'-TATATAAACCTCAATAGGACAGAGAACTCTTTTGTCATTCCAAATTTCCACTACTTACCA[C>T]AAATGTAAAATCTTTTCCTTGAGTTTCAGTTGTTGAGAAATCTAATCGACCTGGATCTAT-3'
Protein context (NP_001175.2, residues 1374-1394): TETQGKDFTF[Val1384Met]TGVEDSSFAY